The following is an entry in ClinVar:

NM_001202.6(BMP4):c.520G>A (p.Gly174Ser)

Gene: BMP4 (bone morphogenetic protein 4; minus strand). Cytogenetic location: 14q22.2.
Variant type: single nucleotide variant.
Coding change: c.520G>A on transcript NM_001202.6 (MANE Select); coding-DNA position 520, G replaced by A.
Protein change: p.Gly174Ser; replaces glycine 174 with serine.
Molecular consequence: missense variant.
Genome position (GRCh38, 1-based): chr14:53,950,739, C>T on the plus strand (G>A on the coding strand, the complement: BMP4 is on the minus strand). VCF-style: chr14-53950739-C-T. GRCh37 (hg19) VCF-style: chr14-54417457-C-T.
Other names: c.661G>A, p.Gly221Ser (NM_001347912.1); c.331G>A, p.Gly111Ser (NM_001347913.2, NM_001347915.2, NM_001347917.1); c.520G>A, p.Gly174Ser (NM_001347914.2, NM_001347916.1, NM_130850.5 and 1 more transcripts); short protein forms G111S, G174S, G221S.
Identifiers: ClinVar variation 3347812 (VCV003347812.1).

ClinVar aggregate classification (germline): Uncertain significance (0 of 4 stars; one submission).

Conditions:
BMP4-related disorder. Also called: BMP4-related condition.

gnomAD v4.1: 2 of 1,614,056 alleles (0.00012%); highest among the groups gnomAD compares: East Asian, 0.0022%; no homozygotes.

Submission:

PreventionGenetics, part of Exact Sciences
Classification: Uncertain significance for BMP4-related condition. Last evaluated: 2024-08-03. Review status: no assertion criteria provided. Collection method: clinical testing. Allele origin: germline.
Comment: The BMP4 c.520G>A variant is predicted to result in the amino acid substitution p.Gly174Ser. To our knowledge, this variant has not been reported in the literature. This variant is reported in 0.0054% of alleles in individuals of East Asian descent in gnomAD. At this time, the clinical significance of this variant is uncertain due to the absence of conclusive functional and genetic evidence.